The following is an entry in ClinVar:

NM_032119.4(ADGRV1):c.3289G>A (p.Gly1097Ser)

Gene: ADGRV1 (adhesion G protein-coupled receptor V1; plus strand). Cytogenetic location: 5q14.3.
Variant type: single nucleotide variant.
Coding change: c.3289G>A on transcript NM_032119.4 (MANE Select); coding-DNA position 3289, G replaced by A.
Protein change: p.Gly1097Ser; replaces glycine 1097 with serine.
Molecular consequence: missense variant. On other transcripts: non-coding transcript variant (1).
Genome position (GRCh38, 1-based): chr5:90,647,764, G>A. VCF-style: chr5-90647764-G-A. GRCh37 (hg19) VCF-style: chr5-89943581-G-A.
Other names: short protein forms G1097S.
Identifiers: ClinVar variation 158651 (VCV000158651.42), dbSNP rs148097083, ClinGen allele CA172273.

ClinVar aggregate classification (germline): Benign/Likely benign. Review status: criteria provided, multiple submitters, no conflicts (2 of 4 stars). 11 submissions from 11 submitters: Benign (5); Likely benign (2). 4 of the submissions do not count toward it. Last evaluated 2026-05-01.

Conditions:
Usher syndrome type 2C. Also called: Usher syndrome, type 2B; USHER SYNDROME, TYPE IIC. Identifiers: Orphanet 231178, Orphanet 886, MedGen C2931213, MONDO:0011558, OMIM 605472.

Allele frequency attached by ClinVar (database versions not stated): TOPMed 0.00210; ESP Exome Variant Server 0.00245; 1000 Genomes Project 30x 0.00312; 1000 Genomes Project 0.00399; ExAC 0.00451; gnomAD 0.00471 and 0.00484; gnomAD exomes 0.00521.
gnomAD v4.1: 4,977 of 1,609,230 alleles (0.31%); highest among the groups gnomAD compares: Middle Eastern, 0.68%; 41 homozygotes.

Submissions (13):

CeGaT Center for Human Genetics Tuebingen
Classification: Likely benign. Last evaluated: 2026-05-01. Review status: criteria provided, single submitter. Criteria: CeGaT Center For Human Genetics Tuebingen Variant Classification Criteria Version 2. Collection method: clinical testing. Allele origin: germline. Affected: yes. Observed: 4 variant alleles.
Comment: ADGRV1: BS2

Labcorp Genetics (formerly Invitae), Labcorp
Classification: Benign. Last evaluated: 2026-01-28. Review status: criteria provided, single submitter. Criteria: Invitae Variant Classification Sherloc (09022015). Collection method: clinical testing. Allele origin: germline.

Illumina Laboratory Services, Illumina
Classification: Benign for Usher syndrome type 2C. Last evaluated: 2025-04-08. Review status: criteria provided, single submitter. Criteria: ICSLVariantClassificationCriteria RUGD 01 April 2020. Collection method: clinical testing. Allele origin: unknown.

ARUP Laboratories, Molecular Genetics and Genomics, ARUP Laboratories
Classification: Benign. Last evaluated: 2023-11-09. Review status: criteria provided, single submitter. Criteria: ARUP Molecular Germline Variant Investigation Process 2024. Collection method: clinical testing. Allele origin: germline.

Mayo Clinic Laboratories, Mayo Clinic
Classification: Likely benign. Last evaluated: 2021-09-03. Review status: criteria provided, single submitter. Criteria: ACMG Guidelines, 2015. Collection method: clinical testing. Allele origin: germline. Observed: 1 variant allele.
Comment: BS1_supporting, BS2

GeneDx
Classification: Benign. Last evaluated: 2015-06-30. Review status: criteria provided, single submitter. Criteria: GeneDx Variant Classification (06012015). Collection method: clinical testing. Allele origin: germline. Affected: yes.
Comment: This variant is considered likely benign or benign based on one or more of the following criteria: it is a conservative change, it occurs at a poorly conserved position in the protein, it is predicted to be benign by multiple in silico algorithms, and/or has population frequency not consistent with disease.

Laboratory for Molecular Medicine, Mass General Brigham Personalized Medicine
Classification: Benign. Last evaluated: 2012-04-30. Review status: criteria provided, single submitter. Criteria: LMM Criteria. Collection method: clinical testing. Allele origin: germline. Observed: 9 variant alleles.
Comment: Gly1097Ser in Exon 17 of GPR98: This variant is not expected to have clinical si gnificance because it has been identified in 0.3% (21/6558) of European American chromosomes from a broad population by the NHLBI Exome Sequencing Project (dbSNP rs148097083).

Clinical Genetics DNA and cytogenetics Diagnostics Lab, Erasmus MC, Erasmus Medical Center
Classification: Likely benign. Review status: no assertion criteria provided. Collection method: clinical testing. Allele origin: germline. Affected: yes. Study: VKGL Data-share Consensus. Not counted in ClinVar's aggregate classification.

Clinical Genetics, Academic Medical Center
Classification: Benign. Review status: no assertion criteria provided. Collection method: clinical testing. Allele origin: germline. Affected: yes. Study: VKGL Data-share Consensus. Not counted in ClinVar's aggregate classification.

Dr. Peter K. Rogan Lab, Western University
No classification provided (evidence only). Condition: Familial cancer of breast. Review status: no classification provided. Collection method: in vitro. Allele origin: not applicable. Functional consequence: retained intron. Not counted in ClinVar's aggregate classification.

Dr. Peter K. Rogan Lab, Western University
No classification provided (evidence only). Condition: Cervical cancer. Review status: no classification provided. Collection method: in vitro. Allele origin: not applicable. Functional consequence: retained intron. Not counted in ClinVar's aggregate classification.

Genetic Services Laboratory, University of Chicago
Classification: Likely benign. Review status: no assertion criteria provided. Collection method: clinical testing. Allele origin: germline. Inheritance: Autosomal dominant inheritance. Not counted in ClinVar's aggregate classification.
Comment: Likely benign based on allele frequency in 1000 Genomes Project or ESP global frequency and its presence in a patient with a rare or unrelated disease phenotype. NOT Sanger confirmed

Genome Diagnostics Laboratory, University Medical Center Utrecht
Classification: Likely benign. Review status: no assertion criteria provided. Collection method: clinical testing. Allele origin: germline. Affected: yes. Study: VKGL Data-share Consensus. Not counted in ClinVar's aggregate classification.